The following is an entry in ClinVar:

ClinVar aggregate classification (germline): Uncertain significance (1 of 4 stars; one submission).

Conditions:
Kabuki syndrome 1 (KABUK1). Also called: KMT2D-Related Kabuki Syndrome. Identifiers: Orphanet 2322, MedGen CN030661, MONDO:0007843, OMIM 147920.

Submission:

MGZ Medical Genetics Center
Classification: Uncertain significance for Kabuki syndrome 1. Last evaluated: 2022-03-22. Review status: criteria provided, single submitter. Criteria: ACMG Guidelines, 2015. Collection method: clinical testing. Allele origin: germline. Affected: yes. Observed: 1 variant allele.
Comment: ACMG criteria applied: PM2_SUP, PP2, BP4

NM_003482.4(KMT2D):c.5857C>G (p.Leu1953Val)

Gene: KMT2D (lysine methyltransferase 2D; minus strand). Cytogenetic location: 12q13.12.
Variant type: single nucleotide variant.
Coding change: c.5857C>G on transcript NM_003482.4 (MANE Select); coding-DNA position 5857, C replaced by G.
Protein change: p.Leu1953Val; replaces leucine 1953 with valine.
Molecular consequence: missense variant.
Genome position (GRCh38, 1-based): chr12:49,042,571, G>C on the plus strand (C>G on the coding strand, the complement: KMT2D is on the minus strand). VCF-style: chr12-49042571-G-C. GRCh37 (hg19) VCF-style: chr12-49436354-G-C.
Other names: short protein forms L1953V.
Identifiers: ClinVar variation 1709251 (VCV001709251.2), dbSNP rs2120556711, ClinGen allele CA384627967.